The following is an entry in ClinVar:

NM_001358530.2(MOCS1):c.698C>T (p.Ala233Val)

Gene: MOCS1 (molybdenum cofactor synthesis 1; minus strand). Cytogenetic location: 6p21.2.
Variant type: single nucleotide variant.
Coding change: c.698C>T on transcript NM_001358530.2 (MANE Select); coding-DNA position 698, C replaced by T.
Protein change: p.Ala233Val; replaces alanine 233 with valine.
Molecular consequence: missense variant. On other transcripts: non-coding transcript variant (1).
Genome position (GRCh38, 1-based): chr6:39,913,376, G>A on the plus strand (C>T on the coding strand, the complement: MOCS1 is on the minus strand). VCF-style: chr6-39913376-G-A. GRCh37 (hg19) VCF-style: chr6-39881120-G-A.
Other names: p.Ala233Val; c.698C>T, p.Ala233Val (NM_001075098.4, NM_001358529.2, NM_005943.6); c.437C>T, p.Ala146Val (NM_001358531.2, NM_001358533.2, NM_001358534.2); short protein forms A233V, A146V.
Identifiers: ClinVar variation 356659 (VCV000356659.16), dbSNP rs35825585, ClinGen allele CA3796178.

ClinVar aggregate classification (germline): Benign/Likely benign. Review status: criteria provided, multiple submitters, no conflicts (2 of 4 stars). 5 submissions from 5 submitters: Benign (4); Likely benign (1). Last evaluated 2026-02-04.

Conditions:
Sulfite oxidase deficiency due to molybdenum cofactor deficiency type A. Also called: Molybdenum cofactor deficiency, complementation group A; Molybdenum Cofactor Deficiency A. Identifiers: Orphanet 308386, Orphanet 833, MedGen C1854988, MONDO:0009643, OMIM 252150.

Allele frequency attached by ClinVar (database versions not stated): ESP Exome Variant Server 0.04867; gnomAD 0.05422 and 0.05548; TOPMed 0.06204; 1000 Genomes Project 0.11222; 1000 Genomes Project 30x 0.11430.
gnomAD v4.1: 34,428 of 1,614,082 alleles (2.1%); highest among the groups gnomAD compares: East Asian, 18%; 1,830 homozygotes.

Submissions (5):

Labcorp Genetics (formerly Invitae), Labcorp
Classification: Benign for Sulfite oxidase deficiency due to molybdenum cofactor deficiency type A. Last evaluated: 2026-02-04. Review status: criteria provided, single submitter. Criteria: Invitae Variant Classification Sherloc (09022015). Collection method: clinical testing. Allele origin: germline.

Blueprint Genetics
Classification: Likely benign. Last evaluated: 2024-11-27. Review status: criteria provided, single submitter. Criteria: ACMG Guidelines, 2015. Collection method: clinical testing. Allele origin: germline.

GeneDx
Classification: Benign. Last evaluated: 2021-05-05. Review status: criteria provided, single submitter. Criteria: GeneDx Variant Classification Process June 2021. Collection method: clinical testing. Allele origin: germline. Affected: yes.

Mayo Clinic Laboratories, Mayo Clinic
Classification: Benign. Last evaluated: 2018-04-10. Review status: criteria provided, single submitter. Criteria: ACMG Guidelines, 2015. Collection method: clinical testing. Allele origin: germline. Observed: 61 variant alleles.

Illumina Laboratory Services, Illumina
Classification: Benign for Sulfite oxidase deficiency due to molybdenum cofactor deficiency type A. Last evaluated: 2018-01-13. Review status: criteria provided, single submitter. Criteria: ICSL Variant Classification Criteria 13 December 2019. Collection method: clinical testing. Allele origin: germline.
Comment: This variant was observed in the ICSL laboratory as part of a predisposition screen in an ostensibly healthy population. It had not been previously curated by ICSL or reported in the Human Gene Mutation Database (HGMD: prior to June 1st, 2018), and was therefore a candidate for classification through an automated scoring system. Utilizing variant allele frequency, disease prevalence and penetrance estimates, and inheritance mode, an automated score was calculated to assess if this variant is too frequent to cause the disease. Based on the score and internal cut-off values, a variant classified as benign is not then subjected to further curation. The score for this variant resulted in a classification of benign for this disease.